The following is an entry in ClinVar:

ClinVar aggregate classification (germline): Uncertain significance (1 of 4 stars; one submission).

Conditions:
Encephalopathy, acute, infection-induced (herpes-specific), susceptibility to, 6. Also called: Herpes simplex encephalitis, susceptibility to, 4. Identifiers: Orphanet 1930, MedGen C3553869, MONDO:0013921, OMIM 614850.

Submission:

Labcorp Genetics (formerly Invitae), Labcorp
Classification: Uncertain significance for Encephalopathy, acute, infection-induced (herpes-specific), susceptibility to, 6. Last evaluated: 2022-01-01. Review status: criteria provided, single submitter. Criteria: Invitae Variant Classification Sherloc (09022015). Collection method: clinical testing. Allele origin: germline.
Comment: In summary, the available evidence is currently insufficient to determine the role of this variant in disease. Therefore, it has been classified as a Variant of Uncertain Significance. Experimental studies and prediction algorithms are not available or were not evaluated, and the functional significance of this variant is currently unknown. This variant has not been reported in the literature in individuals affected with TICAM1-related conditions. This variant is not present in population databases (gnomAD no frequency). This sequence change creates a premature translational stop signal (p.Met215Serfs*36) in the TICAM1 gene. While this is not anticipated to result in nonsense mediated decay, it is expected to disrupt the last 498 amino acid(s) of the TICAM1 protein.

NM_182919.4(TICAM1):c.643_652del (p.Met215fs)

Gene: TICAM1 (TIR domain containing adaptor molecule 1; minus strand). Cytogenetic location: 19p13.3.
Variant type: Deletion.
Coding change: c.643_652del on transcript NM_182919.4 (MANE Select); coding-DNA positions 643 to 652, 10 bases deleted (ATGCCCTTCC; older notation c.643_652delATGCCCTTCC).
Protein change: p.Met215fs; shifts the reading frame from methionine 215.
Molecular consequence: frameshift variant. On other transcripts: initiator codon variant (1).
Genome position (GRCh38, 1-based): chr19:4,817,726-4,817,735, GGAAGGGCAT deleted on the plus strand (ATGCCCTTCC on the coding strand, the reverse complement: TICAM1 is on the minus strand); deleting any 10 consecutive bases within chr19:4,817,726-4,817,737 gives the same sequence; the c. name uses the placement nearest the transcript's 3' end. VCF-style (leftmost placement, unchanged base first): chr19-4817725-AGGAAGGGCAT-A. GRCh37 (hg19) VCF-style: chr19-4817737-AGGAAGGGCAT-A.
Other names: c.601_610del, p.Met201fs (NM_001385678.1); c.508_517del, p.Met170fs (NM_001385679.1); c.1_10del, p.Met1fs (NM_001385680.1); short protein forms M215fs, M1fs, M201fs, M170fs.
Identifiers: ClinVar variation 2068181 (VCV002068181.5), dbSNP rs2512399562, ClinGen allele CA2580097007.